The following is an entry in ClinVar:

ClinVar aggregate classification (germline): Benign. Review status: criteria provided, multiple submitters, no conflicts (2 of 4 stars). 4 submissions from 4 submitters: Benign (3). 1 of the submissions does not count toward it. Last evaluated 2025-04-09.

Conditions:
NRAP-related disorder. Also called: NRAP-related condition.

Allele frequency attached by ClinVar (database versions not stated): ESP Exome Variant Server 0.25111; gnomAD 0.26138 and 0.26645; 1000 Genomes Project 30x 0.28654; 1000 Genomes Project 0.29073; ExAC 0.30612; gnomAD exomes 0.30739 and 0.31500; TOPMed 0.25749.
gnomAD v4.1: 499,398 of 1,611,454 alleles (31%); highest among the groups gnomAD compares: East Asian, 47%; 80,769 homozygotes.

Submissions (4):

Molecular Diagnostic Laboratory for Inherited Cardiovascular Disease, Montreal Heart Institute
Classification: Benign. Last evaluated: 2025-04-09. Review status: criteria provided, single submitter. Criteria: ACMG Guidelines, 2015. Collection method: clinical testing. Allele origin: germline. Affected: no.

GeneDx
Classification: Benign. Last evaluated: 2018-07-13. Review status: criteria provided, single submitter. Criteria: GeneDx Variant Classification Process June 2021. Collection method: clinical testing. Allele origin: germline. Affected: yes.
Comment: This variant is associated with the following publications: (PMID: 29874175)

Breakthrough Genomics
Classification: Benign. Review status: criteria provided, single submitter. Criteria: ACMG Guidelines, 2015. Collection method: not provided. Allele origin: germline. Inheritance: Unknown mechanism. Affected: yes.

PreventionGenetics, part of Exact Sciences
Classification: Benign for NRAP-related condition. Last evaluated: 2019-10-18. Review status: no assertion criteria provided. Collection method: clinical testing. Allele origin: germline. Not counted in ClinVar's aggregate classification.
Comment: This variant is classified as benign based on ACMG/AMP sequence variant interpretation guidelines (Richards et al. 2015 PMID: 25741868, with internal and published modifications).

NM_198060.4(NRAP):c.1469C>T (p.Ser490Leu)

Gene: NRAP (nebulin related anchoring protein; minus strand). Cytogenetic location: 10q25.3.
Variant type: single nucleotide variant.
Coding change: c.1469C>T on transcript NM_198060.4 (MANE Select); coding-DNA position 1469, C replaced by T.
Protein change: p.Ser490Leu; replaces serine 490 with leucine.
Molecular consequence: missense variant.
Genome position (GRCh38, 1-based): chr10:113,634,170, G>A on the plus strand (C>T on the coding strand, the complement: NRAP is on the minus strand). VCF-style: chr10-113634170-G-A. GRCh37 (hg19) VCF-style: chr10-115393929-G-A.
Other names: c.1469C>T, p.Ser490Leu (NM_001261463.2, NM_001322945.2); c.1364C>T, p.Ser455Leu (NM_006175.5); short protein forms S455L, S490L.
Identifiers: ClinVar variation 1263978 (VCV001263978.6), dbSNP rs3189030, ClinGen allele CA5695523.